The following is an entry in ClinVar:

NM_003172.4(SURF1):c.589-9C>G

Gene: SURF1 (SURF1 cytochrome c oxidase assembly factor; minus strand). Cytogenetic location: 9q34.2.
Variant type: single nucleotide variant.
Coding change: c.589-9C>G on transcript NM_003172.4 (MANE Select); 9 bases into the intron before coding-DNA position 589, C replaced by G.
Molecular consequence: intron variant.
Genome position (GRCh38, 1-based): chr9:133,352,617, G>C on the plus strand (C>G on the coding strand, the complement: SURF1 is on the minus strand). VCF-style: chr9-133352617-G-C. GRCh37 (hg19) VCF-style: chr9-136219472-G-C.
Other names: p.?; c.262-9C>G (NM_001280787.1).
Identifiers: ClinVar variation 1400513 (VCV001400513.9), dbSNP rs375758001, ClinGen allele CA200832436.

ClinVar aggregate classification (germline): Likely benign. Review status: criteria provided, multiple submitters, no conflicts (2 of 4 stars). 2 submissions from 2 submitters: Likely benign (2). Last evaluated 2025-03-21.

Conditions:
Leigh syndrome (NULS). Also called: Leigh Disease; Leigh's necrotizing encephalopathy; Leigh's disease; Leigh Syndrome (mtDNA deletion); Leigh's syndrome; Subacute necrotizing encephalopathy. Identifiers: Orphanet 506, MedGen C2931891, MONDO:0009723, OMIM 256000.

Allele frequency attached by ClinVar (database versions not stated): gnomAD 0.00001 and 0.00002; TOPMed 0.00002.
gnomAD v4.1: 4 of 1,614,030 alleles (0.00025%); highest among the groups gnomAD compares: African/African-American, 0.004%; no homozygotes.

Submissions (2):

Mayo Clinic Laboratories, Mayo Clinic
Classification: Likely benign. Last evaluated: 2025-03-21. Review status: criteria provided, single submitter. Criteria: ACMG Guidelines, 2015. Collection method: clinical testing. Allele origin: germline. Observed: 1 variant allele.
Comment: BP4, BP7

Labcorp Genetics (formerly Invitae), Labcorp
Classification: Likely benign for Leigh syndrome. Last evaluated: 2024-01-13. Review status: criteria provided, single submitter. Criteria: Invitae Variant Classification Sherloc (09022015). Collection method: clinical testing. Allele origin: germline.